The following is an entry in ClinVar:

ClinVar aggregate classification (germline): Conflicting classifications of pathogenicity. Review status: criteria provided, conflicting classifications (1 of 4 stars). 8 submissions from 8 submitters: Uncertain significance (7); Likely benign (1). Last evaluated 2026-03-24.

Conditions:
PALB2-related disorder. Also called: PALB2-related condition; PALB2-related disorders.
Hereditary cancer-predisposing syndrome. Also called: Hereditary Cancer Syndrome; Tumor predisposition; Neoplastic Syndromes, Hereditary; Hereditary neoplastic syndrome. Identifiers: Orphanet 140162, MedGen C0027672, MeSH D009386, MONDO:0015356.
Familial cancer of breast. Also called: BREAST CANCER, FAMILIAL; Hereditary breast cancer; hereditary breast carcinoma. Identifiers: Orphanet 227535, MedGen C0346153, MONDO:0016419, OMIM 114480. Disease mechanism: loss of function.

Allele frequency attached by ClinVar (database versions not stated): gnomAD exomes below 0.00001; gnomAD 0.00003; TOPMed 0.00003.
gnomAD v4.1: 6 of 1,613,996 alleles (0.00037%); highest among the groups gnomAD compares: African/African-American, 0.008%; no homozygotes.

Submissions (8):

PreventionGenetics, part of Exact Sciences
Classification: Uncertain significance for PALB2-related condition. Last evaluated: 2026-03-24. Review status: criteria provided, single submitter. Criteria: ACMG Guidelines, 2015. Collection method: clinical testing. Allele origin: germline.
Comment: The PALB2 c.2057G>A variant is predicted to result in the amino acid substitution p.Arg686Lys. This variant has been reported in an individual with colon cancer along with a second PALB2 variant (Patient 423046, eTable2, Pearlman et al. 2017. PubMed ID: 27978560). This variant is reported in 0.011% of alleles in individuals of African descent in gnomAD, and is reported in ClinVar as uncertain and likely benign (Variation ID: 80060). At this time, the clinical significance of this variant is uncertain due to the absence of conclusive functional and genetic evidence.

Labcorp Genetics (formerly Invitae), Labcorp
Classification: Uncertain significance for Familial cancer of breast. Last evaluated: 2025-11-24. Review status: criteria provided, single submitter. Criteria: Invitae Variant Classification Sherloc (09022015). Collection method: clinical testing. Allele origin: germline.
Comment: This sequence change replaces arginine, which is basic and polar, with lysine, which is basic and polar, at codon 686 of the PALB2 protein (p.Arg686Lys). This variant is present in population databases (rs267604470, gnomAD 0.01%). This missense change has been observed in individual(s) with colon cancer (PMID: 27978560). ClinVar contains an entry for this variant (Variation ID: 80060). Invitae Evidence Modeling of protein sequence and biophysical properties (such as structural, functional, and spatial information, amino acid conservation, physicochemical variation, residue mobility, and thermodynamic stability) indicates that this missense variant is not expected to disrupt PALB2 protein function with a negative predictive value of 80%. In summary, the available evidence is currently insufficient to determine the role of this variant in disease. Therefore, it has been classified as a Variant of Uncertain Significance.

Women's Health and Genetics/Laboratory Corporation of America, LabCorp
Classification: Uncertain significance. Last evaluated: 2025-11-10. Review status: criteria provided, single submitter. Criteria: LabCorp Variant Classification Summary - May 2015. Collection method: clinical testing. Allele origin: germline.
Comment: Variant summary: PALB2 c.2057G>A (p.Arg686Lys) results in a conservative amino acid change in the encoded protein sequence. Algorithms developed to predict the effect of missense changes on protein structure and function all suggest that this variant is likely to be tolerated. The variant was absent in 251448 control chromosomes. The available data on variant occurrences in the general population are insufficient to allow any conclusion about variant significance. c.2057G>A has been reported in the literature in at least one individual affected with colon cancer, however without strong evidence for causality (e.g., Pearlman_2017). This report therefore does not provide unequivocal conclusions about association of the variant with Prostate Cancer. To our knowledge, no experimental evidence demonstrating an impact on protein function has been reported. The following publication have been ascertained in the context of this evaluation (PMID: 27978560). ClinVar contains an entry for this variant (Variation ID: 80060). Based on the evidence outlined above, the variant was classified as uncertain significance.

Ambry Genetics
Classification: Likely benign for Hereditary cancer-predisposing syndrome. Last evaluated: 2024-03-27. Review status: criteria provided, single submitter. Criteria: Ambry Variant Classification Scheme 2023. Collection method: clinical testing. Allele origin: germline.

Quest Diagnostics Nichols Institute San Juan Capistrano
Classification: Uncertain significance. Last evaluated: 2023-05-05. Review status: criteria provided, single submitter. Criteria: Quest Diagnostics criteria. Collection method: clinical testing. Allele origin: unknown.
Comment: The frequency of this variant in the general population, 0.000032 (1/31390 chromosomes), is uninformative in assessment of its pathogenicity. In the published literature, the variant has been reported in an individual with colorectal cancer (PMID: 27978560 (2016)). Analysis of this variant using bioinformatics tools for the prediction of the effect of amino acid changes on protein structure and function yielded predictions that this variant is benign. Based on the available information, we are unable to determine the clinical significance of this variant.

Color Diagnostics, LLC DBA Color Health
Classification: Uncertain significance for Hereditary cancer-predisposing syndrome. Last evaluated: 2022-02-02. Review status: criteria provided, single submitter. Criteria: ACMG Guidelines, 2015. Collection method: clinical testing. Allele origin: germline.
Comment: This missense variant replaces arginine with lysine at codon 686 of the PALB2 protein. Computational prediction suggests that this variant may not impact protein structure and function (internally defined REVEL score threshold <= 0.5, PMID: 27666373). To our knowledge, functional studies have not been reported for this variant. This variant has been reported in an individual affected with colon cancer (PMID: 27978560). This variant has been identified in 1/31390 chromosomes in the general population by the Genome Aggregation Database (gnomAD). The available evidence is insufficient to determine the role of this variant in disease conclusively. Therefore, this variant is classified as a Variant of Uncertain Significance.

Sema4
Classification: Uncertain significance for Hereditary cancer-predisposing syndrome. Last evaluated: 2021-07-10. Review status: criteria provided, single submitter. Criteria: Sema4 Curation Guidelines. Collection method: curation. Allele origin: germline.
Comment: The PALB2 c.2057G>A (p.R686K) variant has been reported in heterozygosity in at least one individual with colorectal cancer (PMID: 27978560). It was observed in 1/8708 chromosomes of the African/African American subpopulation in the large and broad cohorts of the Genome Aggregation Database. The variant has been reported in ClinVar (Variation ID 80060). In silico tools suggest the impact of the variant on protein function is benign, though these predictions have not been confirmed by functional studies. The evidence is insufficient to meet ACMG/AMP criteria for classifying the variant as benign or pathogenic. Thus, the clinical significance of this variant is currently uncertain.

GeneDx
Classification: Uncertain significance. Last evaluated: 2020-06-24. Review status: criteria provided, single submitter. Criteria: GeneDx Variant Classification Process June 2021. Collection method: clinical testing. Allele origin: germline. Affected: yes.
Comment: Not observed at a significant frequency in large population cohorts (Lek 2016); In silico analysis supports that this missense variant does not alter protein structure/function; Observed in individuals with colorectal cancer (Pearlman 2017); This variant is associated with the following publications: (PMID: 27978560)

Literature cited by the submitters: PubMed 27978560 (cited by 6 submitters).

NM_024675.4(PALB2):c.2057G>A (p.Arg686Lys)

Gene: PALB2 (partner and localizer of BRCA2; minus strand). Cytogenetic location: 16p12.2.
Variant type: single nucleotide variant.
Coding change: c.2057G>A on transcript NM_024675.4 (MANE Select); coding-DNA position 2057, G replaced by A.
Protein change: p.Arg686Lys; replaces arginine 686 with lysine.
Molecular consequence: missense variant.
Genome position (GRCh38, 1-based): chr16:23,630,097, C>T on the plus strand (G>A on the coding strand, the complement: PALB2 is on the minus strand). VCF-style: chr16-23630097-C-T. GRCh37 (hg19) VCF-style: chr16-23641418-C-T.
Other names: short protein forms R686K.
Identifiers: ClinVar variation 80060 (VCV000080060.26), dbSNP rs267604470, ClinGen allele CA279492933.